The following is an entry in ClinVar:

NM_017668.3(NDE1):c.821G>C (p.Cys274Ser)

Gene: NDE1 (nudE neurodevelopment protein 1; plus strand). Cytogenetic location: 16p13.11.
Variant type: single nucleotide variant.
Coding change: c.821G>C on transcript NM_017668.3 (MANE Select); coding-DNA position 821, G replaced by C.
Protein change: p.Cys274Ser; replaces cysteine 274 with serine.
Molecular consequence: missense variant.
Genome position (GRCh38, 1-based): chr16:15,696,734, G>C. VCF-style: chr16-15696734-G-C. GRCh37 (hg19) VCF-style: chr16-15790591-G-C.
Other names: c.821G>C, p.Cys274Ser (NM_001143979.2); short protein forms C274S.
Identifiers: ClinVar variation 1516215 (VCV001516215.10), dbSNP rs369508846, ClinGen allele CA7920860.

ClinVar aggregate classification (germline): Uncertain significance. Review status: criteria provided, multiple submitters, no conflicts (2 of 4 stars). 2 submissions from 2 submitters: Uncertain significance (2). Last evaluated 2021-05-12.

Conditions:
NDE1-related microhydranencephaly (MHAC). Also called: HYDRANENCEPHALY AND MICROCEPHALY. Identifiers: Orphanet 443162, MedGen C1857977, MONDO:0011504, OMIM 605013.
Lissencephaly 4 (LIS4). Also called: Lissencephaly 4 (with microcephaly). Identifiers: Orphanet 1083, MedGen C3151461, MONDO:0013527, OMIM 614019.

Allele frequency attached by ClinVar (database versions not stated): gnomAD 0.00005 and 0.00010; 1000 Genomes Project 30x 0.00062; 1000 Genomes Project 0.00080; TOPMed 0.00005.
gnomAD v4.1: 31 of 1,614,186 alleles (0.0019%); highest among the groups gnomAD compares: East Asian, 0.058%; no homozygotes.

Submissions (2):

Labcorp Genetics (formerly Invitae), Labcorp
Classification: Uncertain significance. Last evaluated: 2021-05-12. Review status: criteria provided, single submitter. Criteria: Invitae Variant Classification Sherloc (09022015). Collection method: clinical testing. Allele origin: germline.
Comment: This sequence change replaces cysteine with serine at codon 274 of the NDE1 protein (p.Cys274Ser). The cysteine residue is moderately conserved and there is a moderate physicochemical difference between cysteine and serine. In summary, the available evidence is currently insufficient to determine the role of this variant in disease. Therefore, it has been classified as a Variant of Uncertain Significance. Algorithms developed to predict the effect of missense changes on protein structure and function are either unavailable or do not agree on the potential impact of this missense change (SIFT: "Tolerated"; PolyPhen-2: "Probably Damaging"; Align-GVGD: "Class C0"). This variant has not been reported in the literature in individuals with NDE1-related conditions. This variant is present in population databases (rs369508846, ExAC 0.05%).

Juno Genomics, Hangzhou Juno Genomics, Inc
Classification: Uncertain significance for Lissencephaly 4; NDE1-related microhydranencephaly. Review status: criteria provided, single submitter. Criteria: ACMG Guidelines, 2015. Collection method: clinical testing. Allele origin: germline.
Comment: Absent from controls (or at extremely low frequency if recessive) in Genome Aggregation Database.;Multiple lines of computational evidence support a deleterious effect on the gene or gene product.